The following is an entry in ClinVar:

ClinVar aggregate classification (germline): Uncertain significance (1 of 4 stars; one submission).

Submission:

Genetic Services Laboratory, University of Chicago
Classification: Uncertain significance. Last evaluated: 2025-04-17. Review status: criteria provided, single submitter. Criteria: ACMG Guidelines, 2015. Collection method: clinical testing. Allele origin: germline.
Comment: The c.8819C>T variant: Results in an amino acid change, p.Pro2940Leu. Has been described in one individual with a clinical diagnosis of autosomal dominant polycystic kidney disease (PMID: 30989420). Has not been described in population databases such gnomAD v4. Affects a moderately conserved amino acid residue located in a domain of the PKD1 protein that is not known to be functional. In-silico pathogenicity prediction tools provide contradictory results for the p.Pro2940Leu substitution. Collectively, this evidence indicates that this variant is likely pathogenic, however functional studies have not been performed to prove this conclusively.

NM_001009944.3(PKD1):c.8819C>T (p.Pro2940Leu)

Gene: PKD1 (polycystin 1, transient receptor potential channel interacting; minus strand). Cytogenetic location: 16p13.3.
Variant type: single nucleotide variant.
Coding change: c.8819C>T on transcript NM_001009944.3 (MANE Select); coding-DNA position 8819, C replaced by T.
Protein change: p.Pro2940Leu; replaces proline 2940 with leucine.
Molecular consequence: missense variant.
Genome position (GRCh38, 1-based): chr16:2,102,943, G>A on the plus strand (C>T on the coding strand, the complement: PKD1 is on the minus strand). VCF-style: chr16-2102943-G-A. GRCh37 (hg19) VCF-style: chr16-2152944-G-A.
Other names: c.8819C>T, p.Pro2940Leu (NM_000296.4); short protein forms P2940L.
Identifiers: ClinVar variation 5010248 (VCV005010248.1).
Genomic context (GRCh38, chr16:2,102,943, plus strand): 5'-CTAGCCGAGCAGTTGTGCTCATTGGGCCGGGGCTCCGAGTGTAGGTAGACTGCCAGGTAG[G>A]GCTCAGGTTCCTCAGACAGGTAGTGGCCTGGGGCAGAACGCGCAGGTCACACGCCTGCCG-3'
Protein context (NP_001009944.3, residues 2930-2950): DGHYLSEEPE[Pro2940Leu]YLAVYLHSEP